The following is an entry in ClinVar:

ClinVar aggregate classification (germline): Uncertain significance. Review status: criteria provided, multiple submitters, no conflicts (2 of 4 stars). 3 submissions from 3 submitters: Uncertain significance (3). Last evaluated 2024-03-26.

Conditions:
Hereditary cancer-predisposing syndrome. Also called: Neoplastic Syndromes, Hereditary; Hereditary neoplastic syndrome; Tumor predisposition; Hereditary Cancer Syndrome. Identifiers: Orphanet 140162, MedGen C0027672, MeSH D009386, MONDO:0015356.
Cardiovascular phenotype. Identifiers: MedGen CN230736.
LZTR1-related schwannomatosis. Also called: Schwannomatosis 2; Schwannomatosis-2, susceptibility to. Identifiers: Orphanet 93921, MedGen C3810283, MONDO:0014299, OMIM 615670.

Allele frequency attached by ClinVar (database versions not stated): gnomAD 0.00001.
gnomAD v4.1: 1 of 1,613,808 alleles (0.000062%); highest among the groups gnomAD compares: African/African-American, 0.0013%; no homozygotes.

Submissions (3):

Genomic Medicine Center of Excellence, King Faisal Specialist Hospital and Research Centre
Classification: Uncertain significance for LZTR1-related schwannomatosis. Last evaluated: 2024-03-26. Review status: criteria provided, single submitter. Criteria: ACMG Guidelines, 2015. Collection method: clinical testing. Allele origin: germline.

Ambry Genetics
Classification: Uncertain significance for Cardiovascular phenotype; Hereditary cancer-predisposing syndrome. Last evaluated: 2023-09-28. Review status: criteria provided, single submitter. Criteria: Ambry Variant Classification Scheme 2023. Collection method: clinical testing. Allele origin: germline.
Comment: The p.A174T variant (also known as c.520G>A), located in coding exon 6 of the LZTR1 gene, results from a G to A substitution at nucleotide position 520. The alanine at codon 174 is replaced by threonine, an amino acid with similar properties. This amino acid position is conserved. In addition, this alteration is predicted to be deleterious by in silico analysis. Since supporting evidence is limited at this time, the clinical significance of this alteration remains unclear.

Clinical Genetics Laboratory, Skane University Hospital Lund
Classification: Uncertain significance. Last evaluated: 2023-05-04. Review status: criteria provided, single submitter. Criteria: ACMG Guidelines, 2015. Collection method: clinical testing. Allele origin: germline. Affected: yes.

NM_006767.4(LZTR1):c.520G>A (p.Ala174Thr)

Gene: LZTR1 (leucine zipper like post translational regulator 1; plus strand). Cytogenetic location: 22q11.21.
Variant type: single nucleotide variant.
Coding change: c.520G>A on transcript NM_006767.4 (MANE Select); coding-DNA position 520, G replaced by A.
Protein change: p.Ala174Thr; replaces alanine 174 with threonine.
Molecular consequence: missense variant.
Genome position (GRCh38, 1-based): chr22:20,988,799, G>A. VCF-style: chr22-20988799-G-A. GRCh37 (hg19) VCF-style: chr22-21343088-G-A.
Other names: c.520G>A (NM_006767.3); short protein forms A174T.
Identifiers: ClinVar variation 3065526 (VCV003065526.3), dbSNP rs776327053, ClinGen allele CA410780094.
Genomic context (GRCh38, chr22:20,988,799, plus strand): 5'-AGGTCTGTGCTGGGCGGCCTCACTCCCTCCCCTCTTCCCTCACACTCCAGGTTGCCAGTC[G>A]CTAGGTCAGCCCATGGGGCCACGGTGTACAGTGACAAGCTGTGGATCTTTGCTGGCTATG-3'
Protein context (NP_006758.2, residues 164-184): EWKIEGRLPV[Ala174Thr]RSAHGATVYS